The following is an entry in ClinVar:

ClinVar aggregate classification (germline): Uncertain significance (1 of 4 stars; one submission).

Conditions:
Charcot-Marie-Tooth disease type 2E (CMT2E). Also called: CHARCOT-MARIE-TOOTH DISEASE, AXONAL, TYPE 2E; CHARCOT-MARIE-TOOTH NEUROPATHY, TYPE 2E. Identifiers: Orphanet 99939, MedGen C1843225, MONDO:0011894, OMIM 607684.

gnomAD v4.1: 4 of 1,588,904 alleles (0.00025%); highest among the groups gnomAD compares: African/African-American, 0.0054%; no homozygotes.

Submission:

Labcorp Genetics (formerly Invitae), Labcorp
Classification: Uncertain significance for Charcot-Marie-Tooth disease type 2E. Last evaluated: 2023-11-02. Review status: criteria provided, single submitter. Criteria: Invitae Variant Classification Sherloc (09022015). Collection method: clinical testing. Allele origin: germline.
Comment: This sequence change replaces alanine, which is neutral and non-polar, with proline, which is neutral and non-polar, at codon 491 of the NEFL protein (p.Ala491Pro). This variant is present in population databases (no rsID available, gnomAD 0.005%). This variant has not been reported in the literature in individuals affected with NEFL-related conditions. Advanced modeling of protein sequence and biophysical properties (such as structural, functional, and spatial information, amino acid conservation, physicochemical variation, residue mobility, and thermodynamic stability) has been performed at Invitae for this missense variant, however the output from this modeling did not meet the statistical confidence thresholds required to predict the impact of this variant on NEFL protein function. In summary, the available evidence is currently insufficient to determine the role of this variant in disease. Therefore, it has been classified as a Variant of Uncertain Significance.

NM_006158.5(NEFL):c.1471G>C (p.Ala491Pro)

Gene: NEFL (neurofilament light chain; minus strand). Cytogenetic location: 8p21.2.
Variant type: single nucleotide variant.
Coding change: c.1471G>C on transcript NM_006158.5 (MANE Select); coding-DNA position 1471, G replaced by C.
Protein change: p.Ala491Pro; replaces alanine 491 with proline.
Molecular consequence: missense variant.
Genome position (GRCh38, 1-based): chr8:24,953,494, C>G on the plus strand (G>C on the coding strand, the complement: NEFL is on the minus strand). VCF-style: chr8-24953494-C-G. GRCh37 (hg19) VCF-style: chr8-24811007-C-G.
Other names: short protein forms A491P.
Identifiers: ClinVar variation 2907081 (VCV002907081.3), dbSNP rs975745726, ClinGen allele CA174058309.
Genomic context (GRCh38, chr8:24,953,494, plus strand): 5'-CCAGTTTACACTTGAAGTTGCAGGGGTTTTTTCTTATCATACCTTCTTCCTCTTCAGCTG[C>G]CTCCTCTTCCTCGGCCTCTTCCTTGTCCTTCTCCTCCTCCTCGGCTTCTCCTTCAGAGGG-3'
Protein context (NP_006149.2, residues 481-501): KDKEEAEEEE[Ala491Pro]AEEEEAAKEE